The following is an entry in ClinVar:

ClinVar aggregate classification (germline): Likely benign (0 of 4 stars; one submission).

Conditions:
HFM1-related disorder. Also called: HFM1-related condition.

Submission:

PreventionGenetics, part of Exact Sciences
Classification: Likely benign for HFM1-related condition. Last evaluated: 2019-07-16. Review status: no assertion criteria provided. Collection method: clinical testing. Allele origin: germline.
Comment: This variant is classified as likely benign based on ACMG/AMP sequence variant interpretation guidelines (Richards et al. 2015 PMID: 25741868, with internal and published modifications).

NM_001017975.6(HFM1):c.3140+7G>T

Gene: HFM1 (helicase for meiosis 1; minus strand). Cytogenetic location: 1p22.2.
Variant type: single nucleotide variant.
Coding change: c.3140+7G>T on transcript NM_001017975.6 (MANE Select); 7 bases into the intron after coding-DNA position 3140, G replaced by T.
Molecular consequence: intron variant.
Genome position (GRCh38, 1-based): chr1:91,315,808, C>A on the plus strand (G>T on the coding strand, the complement: HFM1 is on the minus strand). VCF-style: chr1-91315808-C-A. GRCh37 (hg19) VCF-style: chr1-91781365-C-A.
Identifiers: ClinVar variation 3050138 (VCV003050138.2), dbSNP rs765926303, ClinGen allele CA2646540336.